The following is an entry in ClinVar:

ClinVar aggregate classification (germline): Uncertain significance (1 of 4 stars; one submission).

Conditions:
Arrhythmogenic cardiomyopathy with wooly hair and keratoderma. Also called: Arrhythmogenic cardiomyopathy with woolly hair and keratoderma; PALMOPLANTAR KERATODERMA WITH LEFT VENTRICULAR CARDIOMYOPATHY AND WOOLLY HAIR; Dilated cardiomyopathy with woolly hair and keratoderma; Carvajal syndrome. Identifiers: Orphanet 65282, MedGen C1854063, MONDO:0011581, OMIM 605676.
Arrhythmogenic right ventricular dysplasia 8 (ARVD8). Also called: Arrhythmogenic Right Ventricular Dysplasia/Cardiomyopathy 8; ARRHYTHMOGENIC RIGHT VENTRICULAR DYSPLASIA, FAMILIAL, 8; ARRHYTHMOGENIC RIGHT VENTRICULAR CARDIOMYOPATHY 8. Identifiers: MedGen C1843896, MONDO:0011831, OMIM 607450.

Submission:

Labcorp Genetics (formerly Invitae), Labcorp
Classification: Uncertain significance for Arrhythmogenic cardiomyopathy with wooly hair and keratoderma; Arrhythmogenic right ventricular dysplasia 8. Last evaluated: 2019-05-12. Review status: criteria provided, single submitter. Criteria: Invitae Variant Classification Sherloc (09022015). Collection method: clinical testing. Allele origin: germline.
Comment: This variant has not been reported in the literature in individuals with DSP-related conditions. In summary, the available evidence is currently insufficient to determine the role of this variant in disease. Therefore, it has been classified as a Variant of Uncertain Significance. Algorithms developed to predict the effect of missense changes on protein structure and function are either unavailable or do not agree on the potential impact of this missense change (SIFT: "Tolerated"; PolyPhen-2: "Probably Damaging"; Align-GVGD: "Class C0"). This variant is not present in population databases (ExAC no frequency). This sequence change replaces proline with serine at codon 159 of the DSP protein (p.Pro159Ser). The proline residue is highly conserved and there is a moderate physicochemical difference between proline and serine.

NM_004415.4(DSP):c.475C>T (p.Pro159Ser)

Gene: DSP (desmoplakin; plus strand). Cytogenetic location: 6p24.3.
Variant type: single nucleotide variant.
Coding change: c.475C>T on transcript NM_004415.4 (MANE Select); coding-DNA position 475, C replaced by T.
Protein change: p.Pro159Ser; replaces proline 159 with serine.
Molecular consequence: missense variant.
Genome position (GRCh38, 1-based): chr6:7,559,278, C>T. VCF-style: chr6-7559278-C-T. GRCh37 (hg19) VCF-style: chr6-7559511-C-T.
Other names: c.475C>T, p.Pro159Ser (NM_001008844.3, NM_001319034.2); short protein forms P159S.
Identifiers: ClinVar variation 946491 (VCV000946491.10), dbSNP rs1758602932, ClinGen allele CA362672285.